The following is an entry in ClinVar:

ClinVar aggregate classification (germline): Benign (1 of 4 stars; one submission).

Allele frequency attached by ClinVar (database versions not stated): gnomAD 0.02370 and 0.02541; 1000 Genomes Project 0.02496; TOPMed 0.02646; 1000 Genomes Project 30x 0.02733.

Submission:

GeneDx
Classification: Benign. Last evaluated: 2018-06-14. Review status: criteria provided, single submitter. Criteria: GeneDx Variant Classification (06012015). Collection method: clinical testing. Allele origin: germline. Affected: yes.
Comment: This variant is considered likely benign or benign based on one or more of the following criteria: it is a conservative change, it occurs at a poorly conserved position in the protein, it is predicted to be benign by multiple in silico algorithms, and/or has population frequency not consistent with disease.

NM_002860.4(ALDH18A1):c.934-187A>C

Gene: ALDH18A1 (aldehyde dehydrogenase 18 family member A1; minus strand). Cytogenetic location: 10q24.1.
Variant type: single nucleotide variant.
Coding change: c.934-187A>C on transcript NM_002860.4 (MANE Select); 187 bases into the intron before coding-DNA position 934, A replaced by C.
Molecular consequence: intron variant.
Genome position (GRCh38, 1-based): chr10:95,627,773, T>G on the plus strand (A>C on the coding strand, the complement: ALDH18A1 is on the minus strand). VCF-style: chr10-95627773-T-G. GRCh37 (hg19) VCF-style: chr10-97387530-T-G.
Other names: c.298-187A>C (NM_001323419.2); c.601-187A>C (NM_001323412.2, NM_001323416.2); c.829-187A>C (NM_001323417.2); c.928-187A>C (NM_001017423.2, NM_001323415.2); c.595-187A>C (NM_001323418.2); c.934-187A>C (NM_001323413.2, NM_001323414.2).
Identifiers: ClinVar variation 679112 (VCV000679112.1), dbSNP rs12267327, ClinGen allele CA211794496.
Genomic context (GRCh38, chr10:95,627,773, plus strand): 5'-AAAGCTTAGAAGCTCTGAAAACACATAACAGTTCACACACTTTCCAGCTCAACCTTGGCC[T>G]GTGTTACTTAAAGGTAAACCAACCTATCCTTTGTTTCCAGTCTGTTCTCTCTTCAGTCTC-3'